The following is an entry in ClinVar:

NM_004795.4(KL):c.2296G>C (p.Gly766Arg)

Gene: KL (klotho; plus strand). Cytogenetic location: 13q13.1.
Variant type: single nucleotide variant.
Coding change: c.2296G>C on transcript NM_004795.4 (MANE Select); coding-DNA position 2296, G replaced by C.
Protein change: p.Gly766Arg; replaces glycine 766 with arginine.
Molecular consequence: missense variant.
Genome position (GRCh38, 1-based): chr13:33,061,375, G>C. VCF-style: chr13-33061375-G-C. GRCh37 (hg19) VCF-style: chr13-33635512-G-C.
Other names: short protein forms G766R.
Identifiers: ClinVar variation 881481 (VCV000881481.12), dbSNP rs114752661, ClinGen allele CA6944288.
Genomic context (GRCh38, chr13:33,061,375, plus strand): 5'-AAAGAGGTGGCTGAGAGAGTTTTGGAATTTGACATTGGCTGGCTGGCTGAGCCCATTTTC[G>C]GCTCTGGAGATTATCCATGGGTGATGAGGGACTGGCTGAACCAAAGAAACAATTTTCTTC-3'
Protein context (NP_004786.2, residues 756-776): DIGWLAEPIF[Gly766Arg]SGDYPWVMRD

ClinVar aggregate classification (germline): Uncertain significance. Review status: criteria provided, multiple submitters, no conflicts (2 of 4 stars). 3 submissions from 3 submitters: Uncertain significance (3). Last evaluated 2025-03-06.

Conditions:
Tumoral calcinosis, hyperphosphatemic, familial, 3. Identifiers: MedGen C4693864, MONDO:0060715, OMIM 617994.

Allele frequency attached by ClinVar (database versions not stated): TOPMed 0.00037; 1000 Genomes Project 0.00120; 1000 Genomes Project 30x 0.00141.
gnomAD v4.1: 124 of 1,614,116 alleles (0.0077%); highest among the groups gnomAD compares: African/African-American, 0.16%; no homozygotes.

Submissions (3):

Labcorp Genetics (formerly Invitae), Labcorp
Classification: Uncertain significance. Last evaluated: 2025-03-06. Review status: criteria provided, single submitter. Criteria: Invitae Variant Classification Sherloc (09022015). Collection method: clinical testing. Allele origin: germline.
Comment: This sequence change replaces glycine, which is neutral and non-polar, with arginine, which is basic and polar, at codon 766 of the KL protein (p.Gly766Arg). This variant is present in population databases (rs114752661, gnomAD 0.2%), and has an allele count higher than expected for a pathogenic variant. This variant has not been reported in the literature in individuals affected with KL-related conditions. ClinVar contains an entry for this variant (Variation ID: 881481). Invitae Evidence Modeling of protein sequence and biophysical properties (such as structural, functional, and spatial information, amino acid conservation, physicochemical variation, residue mobility, and thermodynamic stability) indicates that this missense variant is not expected to disrupt KL protein function with a negative predictive value of 80%. In summary, the available evidence is currently insufficient to determine the role of this variant in disease. Therefore, it has been classified as a Variant of Uncertain Significance.

Fulgent Genetics
Classification: Uncertain significance for Tumoral calcinosis, hyperphosphatemic, familial, 3. Last evaluated: 2021-12-13. Review status: criteria provided, single submitter. Criteria: ACMG Guidelines, 2015. Collection method: clinical testing. Allele origin: unknown.

Illumina Laboratory Services, Illumina
Classification: Uncertain significance for Tumoral calcinosis, hyperphosphatemic, familial, 3. Last evaluated: 2018-01-12. Review status: criteria provided, single submitter. Criteria: ICSL Variant Classification Criteria 13 December 2019. Collection method: clinical testing. Allele origin: germline.